The following is an entry in ClinVar:

NM_002439.5(MSH3):c.1744C>T (p.Gln582Ter)

Gene: MSH3 (mutS homolog 3; plus strand). Cytogenetic location: 5q14.1.
Variant type: single nucleotide variant.
Coding change: c.1744C>T on transcript NM_002439.5 (MANE Select); coding-DNA position 1744, C replaced by T.
Protein change: p.Gln582Ter; replaces glutamine 582 with a stop codon.
Molecular consequence: nonsense.
Genome position (GRCh38, 1-based): chr5:80,744,596, C>T. VCF-style: chr5-80744596-C-T. GRCh37 (hg19) VCF-style: chr5-80040415-C-T.
Other names: short protein forms Q582*.
Identifiers: ClinVar variation 1075462 (VCV001075462.7), dbSNP rs750104015, ClinGen allele CA3328019.

ClinVar aggregate classification (germline): Pathogenic. Review status: criteria provided, multiple submitters, no conflicts (2 of 4 stars). 2 submissions from 2 submitters: Pathogenic (2). Last evaluated 2023-08-30.

Conditions:
Familial adenomatous polyposis 4 (FAP4). Also called: MSH3-related attenuated familial adenomatous polyposis. Identifiers: Orphanet 480536, MedGen C4310719, MONDO:0044300, OMIM 617100.

Allele frequency attached by ClinVar (database versions not stated): gnomAD exomes below 0.00001; ExAC 0.00001.
gnomAD v4.1: 1 of 1,612,554 alleles (0.000062%); highest among the groups gnomAD compares: South Asian, 0.0011%; no homozygotes.

Submissions (2):

Myriad Genetics, Inc.
Classification: Pathogenic for Familial adenomatous polyposis 4. Last evaluated: 2023-08-30. Review status: criteria provided, single submitter. Criteria: Myriad Autosomal Dominant, Autosomal Recessive and X-Linked Classification Criteria (2023). Collection method: clinical testing. Allele origin: unknown.
Comment: This variant is considered pathogenic. This variant creates a termination codon and is predicted to result in premature protein truncation.

Labcorp Genetics (formerly Invitae), Labcorp
Classification: Pathogenic. Last evaluated: 2022-01-28. Review status: criteria provided, single submitter. Criteria: Invitae Variant Classification Sherloc (09022015). Collection method: clinical testing. Allele origin: germline.
Comment: For these reasons, this variant has been classified as Pathogenic. This sequence change creates a premature translational stop signal (p.Gln582*) in the MSH3 gene. It is expected to result in an absent or disrupted protein product. Loss-of-function variants in MSH3 are known to be pathogenic (PMID: 27476653). This variant is present in population databases (rs750104015, gnomAD 0.003%). This variant has not been reported in the literature in individuals affected with MSH3-related conditions. ClinVar contains an entry for this variant (Variation ID: 1075462).

Literature cited by the submitters: PubMed 27476653 (cited by Labcorp Genetics (formerly Invitae), Labcorp).